The following is an entry in ClinVar:

NM_001393769.1(MED12L):c.5818C>T (p.Gln1940Ter)

Gene: MED12L (mediator complex subunit 12L; plus strand). Cytogenetic location: 3q25.1.
Variant type: single nucleotide variant.
Coding change: c.5818C>T on transcript NM_001393769.1 (MANE Select); coding-DNA position 5818, C replaced by T.
Protein change: p.Gln1940Ter; replaces glutamine 1940 with a stop codon.
Molecular consequence: nonsense.
Genome position (GRCh38, 1-based): chr3:151,394,865, C>T. VCF-style: chr3-151394865-C-T. GRCh37 (hg19) VCF-style: chr3-151112653-C-T.
Other names: c.5713C>T, p.Gln1905Ter (NM_053002.6); short protein forms Q1905*, Q1940*.
Identifiers: ClinVar variation 5017979 (VCV005017979.1).
Genomic context (GRCh38, chr3:151,394,865, plus strand): 5'-CTTCTGCAGCAGCAGCAGCAACAGCGACTTCTCAGGCAAGCCCAGACTCGGCCTTTCCAA[C>T]AGGTTTGTCCAGACCCCAGCAATGGAGTCCTTTGCATTTTATTACCTCTGCTAGCTTGGG-3'

ClinVar aggregate classification (germline): Pathogenic (1 of 4 stars; one submission).

Submission:

GeneDx
Classification: Pathogenic. Last evaluated: 2026-04-05. Review status: criteria provided, single submitter. Criteria: GeneDx Variant Classification Process June 2021. Collection method: clinical testing. Allele origin: germline.
Comment: Nonsense variant predicted to result in protein truncation or nonsense mediated decay in a gene for which loss of function is a known mechanism of disease; Not observed at significant frequency in large population cohorts (gnomAD); Has not been previously published as pathogenic or benign to our knowledge